The following is an entry in ClinVar:

NM_001042492.3(NF1):c.4283del (p.Asp1428fs)

Gene: NF1 (neurofibromin 1; plus strand). Cytogenetic location: 17q11.2.
Variant type: Deletion.
Coding change: c.4283del on transcript NM_001042492.3 (MANE Select); coding-DNA position 4283, one base deleted (A; older notation c.4283delA).
Protein change: p.Asp1428fs; shifts the reading frame from aspartic acid 1428.
Molecular consequence: frameshift variant.
Genome position (GRCh38, 1-based): chr17:31,258,453, A deleted. VCF-style (leftmost placement, unchanged base first): chr17-31258452-GA-G. GRCh37 (hg19) VCF-style: chr17-29585470-GA-G.
Other names: c.4220del, p.Asp1407fs (NM_000267.4); short protein forms D1407fs, D1428fs.
Identifiers: ClinVar variation 4860938 (VCV004860938.1).

ClinVar aggregate classification (germline): Pathogenic (1 of 4 stars; one submission).

Conditions:
Cardiovascular phenotype. Identifiers: MedGen CN230736.
Hereditary cancer-predisposing syndrome. Also called: Neoplastic Syndromes, Hereditary; Tumor predisposition; Hereditary Cancer Syndrome; Hereditary neoplastic syndrome. Identifiers: Orphanet 140162, MedGen C0027672, MeSH D009386, MONDO:0015356.

Submission:

Ambry Genetics
Classification: Pathogenic for Cardiovascular phenotype; Hereditary cancer-predisposing syndrome. Last evaluated: 2026-04-29. Review status: criteria provided, single submitter. Criteria: Ambry Variant Classification Scheme 2023. Collection method: clinical testing. Allele origin: germline.
Comment: The c.4220delA pathogenic mutation, located in coding exon 31 of the NF1 gene, results from a deletion of one nucleotide at nucleotide position 4220, causing a translational frameshift with a predicted alternate stop codon (p.D1407Vfs*12). This variant is considered to be rare based on population cohorts in the Genome Aggregation Database (gnomAD). This alteration is expected to result in loss of function by premature protein truncation or nonsense-mediated mRNA decay. As such, this alteration is interpreted as a disease-causing mutation.